The following is an entry in ClinVar:

NM_001999.4(FBN2):c.-435C>T

Gene: FBN2 (fibrillin 2; minus strand). Cytogenetic location: 5q23.3.
Variant type: single nucleotide variant.
Coding change: c.-435C>T on transcript NM_001999.4 (MANE Select); 435 bases upstream of the start codon, C replaced by T.
Molecular consequence: 5 prime UTR variant.
Genome position (GRCh38, 1-based): chr5:128,538,038, G>A on the plus strand (C>T on the coding strand, the complement: FBN2 is on the minus strand). VCF-style: chr5-128538038-G-A. GRCh37 (hg19) VCF-style: chr5-127873731-G-A.
Identifiers: ClinVar variation 350801 (VCV000350801.6), dbSNP rs78230270, ClinGen allele CA10622499.
Genomic context (GRCh38, chr5:128,538,038, plus strand): 5'-GAAAAAAGGGCCTGCACGCAGAGCTCGGCGGATTCCCGTGCGCTCCGAAGACGGATATTG[G>A]AAAGCTGCAAAAGTCACCAGAAAGAAACAGGCAAGCAAACAAAAGTCGCCCCCAGAAGAA-3'

ClinVar aggregate classification (germline): Benign. Review status: criteria provided, multiple submitters, no conflicts (2 of 4 stars). 2 submissions from 2 submitters: Benign (2). Last evaluated 2018-06-16.

Conditions:
Congenital contractural arachnodactyly (CCA). Also called: BEALS SYNDROME; Beals-Hecht syndrome; Arthrogryposis, distal, type 9. Identifiers: Orphanet 115, MedGen C0220668, MONDO:0007363, OMIM 121050.

Allele frequency attached by ClinVar (database versions not stated): gnomAD exomes 0.00236; gnomAD 0.02346 and 0.02535; 1000 Genomes Project 0.02436; 1000 Genomes Project 30x 0.02561; TOPMed 0.02561.
gnomAD v4.1: 3,628 of 191,162 alleles (1.9%); highest among the groups gnomAD compares: African/African-American, 8.1%; 144 homozygotes.

Submissions (2):

GeneDx
Classification: Benign. Last evaluated: 2018-06-16. Review status: criteria provided, single submitter. Criteria: GeneDx Variant Classification (06012015). Collection method: clinical testing. Allele origin: germline. Affected: yes.
Comment: This variant is considered likely benign or benign based on one or more of the following criteria: it is a conservative change, it occurs at a poorly conserved position in the protein, it is predicted to be benign by multiple in silico algorithms, and/or has population frequency not consistent with disease.

Illumina Laboratory Services, Illumina
Classification: Benign for Congenital contractural arachnodactyly. Last evaluated: 2018-01-12. Review status: criteria provided, single submitter. Criteria: ICSL Variant Classification Criteria 13 December 2019. Collection method: clinical testing. Allele origin: germline.
Comment: This variant was observed in the ICSL laboratory as part of a predisposition screen in an ostensibly healthy population. It had not been previously curated by ICSL or reported in the Human Gene Mutation Database (HGMD: prior to June 1st, 2018), and was therefore a candidate for classification through an automated scoring system. Utilizing variant allele frequency, disease prevalence and penetrance estimates, and inheritance mode, an automated score was calculated to assess if this variant is too frequent to cause the disease. Based on the score and internal cut-off values, a variant classified as benign is not then subjected to further curation. The score for this variant resulted in a classification of benign for this disease.